The following is an entry in ClinVar:

NM_001848.3(COL6A1):c.1813+2_1813+3del

Gene: COL6A1 (collagen type VI alpha 1 chain; plus strand). Cytogenetic location: 21q22.3.
Variant type: Microsatellite.
Coding change: c.1813+2_1813+3del on transcript NM_001848.3 (MANE Select); the canonical splice donor site of the intron after coding-DNA position 1813 through 3 bases into the intron after coding-DNA position 1813, 2 bases deleted (TG; older notation c.1813+2_1813+3delTG).
Molecular consequence: splice donor variant.
Genome position (GRCh38, 1-based): chr21:46,000,369-46,000,370, TG deleted; deleting any 2 consecutive bases within chr21:46,000,367-46,000,370 gives the same sequence; the c. name uses the placement nearest the transcript's 3' end. VCF-style (leftmost placement, unchanged base first): chr21-46000366-CTG-C. GRCh37 (hg19) VCF-style: chr21-47420280-CTG-C.
Identifiers: ClinVar variation 1333684 (VCV001333684.1), dbSNP rs2077836463, ClinGen allele CA2392439845.

ClinVar aggregate classification (germline): Likely pathogenic (1 of 4 stars; one submission).

Conditions:
Ullrich congenital muscular dystrophy 1A. Also called: Intermediate COL6-RD; Ullrich congenital muscular dystrophy 1. Identifiers: Orphanet 75840, MedGen C0410179, MONDO:0009681, OMIM 254090.

Submission:

3billion
Classification: Likely pathogenic for Ullrich congenital muscular dystrophy 1A. Last evaluated: 2022-01-03. Review status: criteria provided, single submitter. Criteria: ACMG Guidelines, 2015. Collection method: clinical testing. Allele origin: germline. Affected: yes. Observed: 1 heterozygote.
Comment: Canonical splice site: predicted to alter splicing and result in a loss or disruption of normal protein function through protein truncation. Multiple pathogenic variants are reported in the predicted truncated region (PVS1_VS).It is not observed in the gnomAD v2.1.1 dataset (PM2_M). Therefore, this variant is classified as likely pathogenic according to the recommendation of ACMG/AMP guideline.